The following is an entry in ClinVar:

ClinVar aggregate classification (germline): Uncertain significance (1 of 4 stars; one submission).

gnomAD v4.1: 8 of 1,550,850 alleles (0.00052%); highest among the groups gnomAD compares: South Asian, 0.0012%; no homozygotes.

Submission:

Mayo Clinic Laboratories, Mayo Clinic
Classification: Uncertain significance. Last evaluated: 2025-05-20. Review status: criteria provided, single submitter. Criteria: ACMG Guidelines, 2015. Collection method: clinical testing. Allele origin: germline. Observed: 1 variant allele.
Comment: PM2_supporting

NM_001142864.4(PIEZO1):c.6625G>A (p.Asp2209Asn)

Gene: PIEZO1 (piezo type mechanosensitive ion channel component 1 (Er blood group); minus strand). Cytogenetic location: 16q24.3.
Variant type: single nucleotide variant.
Coding change: c.6625G>A on transcript NM_001142864.4 (MANE Select); coding-DNA position 6625, G replaced by A.
Protein change: p.Asp2209Asn; replaces aspartic acid 2209 with asparagine.
Molecular consequence: missense variant.
Genome position (GRCh38, 1-based): chr16:88,717,058, C>T on the plus strand (G>A on the coding strand, the complement: PIEZO1 is on the minus strand). VCF-style: chr16-88717058-C-T. GRCh37 (hg19) VCF-style: chr16-88783466-C-T.
Other names: p.Asp2209Asn; short protein forms D2209N.
Identifiers: ClinVar variation 4542086 (VCV004542086.1).